The following is an entry in ClinVar:

NM_001460.5(FMO2):c.337del (p.Ser112_Val113insTer)

Genes: FMO1-AS1 (FMO1 antisense RNA 1; minus strand), FMO2 (flavin containing dimethylaniline monoxygenase 2; plus strand). Cytogenetic location: 1q24.3.
Variant type: Deletion.
Coding change: c.337del on transcript NM_001460.5 (MANE Select); coding-DNA position 337, one base deleted (G; older notation c.337delG).
Protein change: p.Ser112_Val113insTer.
Molecular consequence: nonsense. On other transcripts: 5 prime UTR variant (1), frameshift variant (1).
Genome position (GRCh38, 1-based): chr1:171,196,664, G deleted. VCF-style (leftmost placement, unchanged base first): chr1-171196663-TG-T. GRCh37 (hg19) VCF-style: chr1-171165802-TG-T.
Other names: c.-181del (NM_001301347.2); c.142delG, p.Val48Terfs (NM_001365900.2).
Identifiers: ClinVar variation 402870 (VCV000402870.4), dbSNP rs28369860, ClinGen allele CA1241134.

ClinVar aggregate classification (germline): Benign (1 of 4 stars; one submission).

Allele frequency attached by ClinVar (database versions not stated): gnomAD 0.10965 and 0.10497; TOPMed 0.11422; ESP Exome Variant Server 0.11605; 1000 Genomes Project 0.10284; gnomAD exomes 0.05020 and 0.05666; ExAC 0.06059; 1000 Genomes Project 30x 0.11056.

Submission:

Laboratory for Molecular Medicine, Mass General Brigham Personalized Medicine
Classification: Benign. Last evaluated: 2016-03-28. Review status: criteria provided, single submitter. Criteria: LMM Criteria. Collection method: clinical testing. Allele origin: germline.
Comment: Variant identified in a genome or exome case(s) and assessed due to predicted null impact of the variant or pathogenic assertions in the literature or databases. Disclaimer: This variant has not undergone full assessment. The following are preliminary notes: Frequency in ESP (all): 1453/12520=11.6%